The following is an entry in ClinVar:

ClinVar aggregate classification (germline): Uncertain significance (1 of 4 stars; one submission).

Conditions:
Inborn genetic diseases. Identifiers: MedGen C0950123, MeSH D030342.

Submission:

Ambry Genetics
Classification: Uncertain significance for Inborn genetic diseases. Last evaluated: 2026-02-24. Review status: criteria provided, single submitter. Criteria: Ambry Variant Classification Scheme 2023. Collection method: clinical testing. Allele origin: germline.
Comment: The p.V398L variant (also known as c.1192G>C), located in coding exon 11 of the DDX41 gene, results from a G to C substitution at nucleotide position 1192. The valine at codon 398 is replaced by leucine, an amino acid with highly similar properties. This amino acid position is conserved. In addition, the in silico prediction for this alteration is inconclusive. Based on the available evidence, the clinical significance of this variant remains unclear.

NM_016222.4(DDX41):c.1192G>C (p.Val398Leu)

Gene: DDX41 (DEAD-box helicase 41; minus strand). Cytogenetic location: 5q35.3.
Variant type: single nucleotide variant.
Coding change: c.1192G>C on transcript NM_016222.4 (MANE Select); coding-DNA position 1192, G replaced by C.
Protein change: p.Val398Leu; replaces valine 398 with leucine.
Molecular consequence: missense variant.
Genome position (GRCh38, 1-based): chr5:177,513,391, C>G on the plus strand (G>C on the coding strand, the complement: DDX41 is on the minus strand). VCF-style: chr5-177513391-C-G. GRCh37 (hg19) VCF-style: chr5-176940392-C-G.
Other names: c.814G>C, p.Val272Leu (NM_001321732.2, NM_001321830.2); short protein forms V398L, V272L.
Identifiers: ClinVar variation 2278601 (VCV002278601.3), dbSNP rs1321675449, ClinGen allele CA362373792.